The following is an entry in ClinVar:

ClinVar aggregate classification (germline): Uncertain significance (1 of 4 stars; one submission).

Conditions:
Epidermolysis bullosa simplex 3, localized or generalized intermediate, with BP230 deficiency (EBS3). Also called: Epidermolysis bullosa simplex due to BP230 deficiency; Epidermolysis bullosa simplex, autosomal recessive 2. Identifiers: Orphanet 412181, MedGen C3809470, MONDO:0014180, OMIM 615425.
Hereditary sensory and autonomic neuropathy type 6. Also called: HSAN VI; Neuropathy, hereditary sensory and autonomic, type VI. Identifiers: Orphanet 314381, MedGen C3539003, MONDO:0013839, OMIM 614653.

Allele frequency attached by ClinVar (database versions not stated): gnomAD 0.00001 and 0.00002; gnomAD exomes 0.00001; TOPMed 0.00001.
gnomAD v4.1: 13 of 1,581,992 alleles (0.00082%); highest among the groups gnomAD compares: Non-Finnish European, 0.0011%; no homozygotes.

Submission:

Labcorp Genetics (formerly Invitae), Labcorp
Classification: Uncertain significance for Epidermolysis bullosa simplex 3, localized or generalized intermediate, with BP230 deficiency; Hereditary sensory and autonomic neuropathy type 6. Last evaluated: 2025-01-31. Review status: criteria provided, single submitter. Criteria: Invitae Variant Classification Sherloc (09022015). Collection method: clinical testing. Allele origin: germline.
Comment: The DST gene has multiple clinically relevant transcripts. This variant occurs in alternate transcript NM_015548.4, and corresponds to NM_001723.5:c.*144254G>T in the primary transcript. This sequence change replaces arginine, which is basic and polar, with serine, which is neutral and polar, at codon 4765 of the DST protein (p.Arg4765Ser). The frequency data for this variant in the population databases is considered unreliable, as metrics indicate poor data quality at this position in the gnomAD database. This variant has not been reported in the literature in individuals affected with DST-related conditions. Experimental studies and prediction algorithms are not available or were not evaluated, and the functional significance of this variant is currently unknown. In summary, the available evidence is currently insufficient to determine the role of this variant in disease. Therefore, it has been classified as a Variant of Uncertain Significance.

NM_001374736.1(DST):c.22164G>T (p.Arg7388Ser)

Gene: DST (dystonin; minus strand). Cytogenetic location: 6p12.1.
Variant type: single nucleotide variant.
Coding change: c.22164G>T on transcript NM_001374736.1 (MANE Select); coding-DNA position 22164, G replaced by T.
Protein change: p.Arg7388Ser; replaces arginine 7388 with serine.
Molecular consequence: missense variant.
Genome position (GRCh38, 1-based): chr6:56,471,263, C>A on the plus strand (G>T on the coding strand, the complement: DST is on the minus strand). VCF-style: chr6-56471263-C-A. GRCh37 (hg19) VCF-style: chr6-56336061-C-A.
Other names: c.15807G>T, p.Arg5269Ser (NM_001144769.5); c.15393G>T, p.Arg5131Ser (NM_001144770.2); c.22164G>T, p.Arg7388Ser (NM_001374722.1); c.21204G>T, p.Arg7068Ser (NM_001374729.1); c.14946G>T, p.Arg4982Ser (NM_001374730.1); c.22191G>T, p.Arg7397Ser (NM_001374734.1); c.15273G>T, p.Arg5091Ser (NM_001386100.1, NM_183380.4); c.14295G>T, p.Arg4765Ser (NM_015548.5); short protein forms R5269S, R7397S, R4765S, R4982S, R5131S, R7068S, R7388S, R5091S.
Identifiers: ClinVar variation 1441717 (VCV001441717.10), dbSNP rs886189462, ClinGen allele CA139169230.